The following is an entry in ClinVar:

ClinVar aggregate classification (germline): Conflicting classifications of pathogenicity. Review status: criteria provided, conflicting classifications (1 of 4 stars). 2 submissions from 2 submitters: Uncertain significance (1); Likely benign (1). Last evaluated 2026-04-01.

Submissions (2):

CeGaT Center for Human Genetics Tuebingen
Classification: Likely benign. Last evaluated: 2026-04-01. Review status: criteria provided, single submitter. Criteria: CeGaT Center For Human Genetics Tuebingen Variant Classification Criteria Version 2. Collection method: clinical testing. Allele origin: germline. Affected: yes. Observed: 1 variant allele.
Comment: STOX1: BP4

Ambry Genetics
Classification: Uncertain significance. Last evaluated: 2024-05-30. Review status: criteria provided, single submitter. Criteria: Ambry Variant Classification Scheme 2023. Collection method: clinical testing. Allele origin: germline.

NM_152709.5(STOX1):c.226C>A (p.Pro76Thr)

Gene: STOX1 (storkhead box 1; plus strand). Cytogenetic location: 10q22.1.
Variant type: single nucleotide variant.
Coding change: c.226C>A on transcript NM_152709.5 (MANE Select); coding-DNA position 226, C replaced by A.
Protein change: p.Pro76Thr; replaces proline 76 with threonine.
Molecular consequence: missense variant.
Genome position (GRCh38, 1-based): chr10:68,827,849, C>A. VCF-style: chr10-68827849-C-A. GRCh37 (hg19) VCF-style: chr10-70587606-C-A.
Other names: c.226C>A, p.Pro76Thr (NM_001130159.3, NM_001130160.3, NM_001130161.4); short protein forms P76T.
Identifiers: ClinVar variation 3323380 (VCV003323380.3).